The following is an entry in ClinVar:

ClinVar aggregate classification (germline): Pathogenic (1 of 4 stars; one submission).

Conditions:
Neurofibromatosis, type 1 (NF1). Also called: Neurofibromatosis, type I; VON RECKLINGHAUSEN DISEASE; NEUROFIBROMATOSIS, TYPE I, SOMATIC; Peripheral type neurofibromatosis. Identifiers: Orphanet 636, MedGen C0027831, MONDO:0018975, OMIM 162200. Disease mechanism: loss of function.

Submission:

Labcorp Genetics (formerly Invitae), Labcorp
Classification: Pathogenic for Neurofibromatosis, type 1. Last evaluated: 2021-10-03. Review status: criteria provided, single submitter. Criteria: Invitae Variant Classification Sherloc (09022015). Collection method: clinical testing. Allele origin: germline.
Comment: This sequence change creates a premature translational stop signal (p.Ile377Thrfs*9) in the NF1 gene. It is expected to result in an absent or disrupted protein product. Loss-of-function variants in NF1 are known to be pathogenic (PMID: 10712197, 23913538). This variant is not present in population databases (ExAC no frequency). This premature translational stop signal has been observed in individual(s) with neurofibromatosis type 1 (PMID: 10543400). This variant is also known as 1127delTGAT. For these reasons, this variant has been classified as Pathogenic.

Literature cited by the submitters: PubMed 10712197; PubMed 23913538; PubMed 10543400.

NM_001042492.3(NF1):c.1130_1133del (p.Ile377fs)

Gene: NF1 (neurofibromin 1; plus strand). Cytogenetic location: 17q11.2.
Variant type: Deletion.
Coding change: c.1130_1133del on transcript NM_001042492.3 (MANE Select); coding-DNA positions 1130 to 1133, 4 bases deleted (TTGA; older notation c.1130_1133delTTGA).
Protein change: p.Ile377fs; shifts the reading frame from isoleucine 377.
Molecular consequence: frameshift variant.
Genome position (GRCh38, 1-based): chr17:31,201,104-31,201,107, TTGA deleted; deleting any 4 consecutive bases within chr17:31,201,101-31,201,107 gives the same sequence; the c. name uses the placement nearest the transcript's 3' end. VCF-style (leftmost placement, unchanged base first): chr17-31201100-ATGAT-A. GRCh37 (hg19) VCF-style: chr17-29528118-ATGAT-A.
Other names: c.1130_1133delTTGA, p.Ile377Thrfs (NM_000267.4); c.1130_1133del, p.Ile377fs (NM_001128147.3); short protein forms I377fs.
Identifiers: ClinVar variation 1456871 (VCV001456871.6), dbSNP rs2143879547, ClinGen allele CA2573153555.